The following is an entry in ClinVar:

NM_000038.6(APC):c.4571T>A (p.Ile1524Lys)

Gene: APC (APC regulator of WNT signaling pathway; plus strand). Cytogenetic location: 5q22.2.
Variant type: single nucleotide variant.
Coding change: c.4571T>A on transcript NM_000038.6 (MANE Select); coding-DNA position 4571, T replaced by A.
Protein change: p.Ile1524Lys; replaces isoleucine 1524 with lysine.
Molecular consequence: missense variant. On other transcripts: non-coding transcript variant (2).
Genome position (GRCh38, 1-based): chr5:112,840,165, T>A. VCF-style: chr5-112840165-T-A. GRCh37 (hg19) VCF-style: chr5-112175862-T-A.
Other names: c.4571T>A, p.Ile1524Lys (NM_001127510.3, NM_001354895.2, NM_001407450.1); c.4517T>A, p.Ile1506Lys (NM_001127511.3); c.4625T>A, p.Ile1542Lys (NM_001354896.2, NM_001407447.1, NM_001407448.1 and 1 more transcripts); c.4601T>A, p.Ile1534Lys (NM_001354897.2); c.4496T>A, p.Ile1499Lys (NM_001354898.2); c.4487T>A, p.Ile1496Lys (NM_001354899.2); c.4448T>A, p.Ile1483Lys (NM_001354900.2); c.4394T>A, p.Ile1465Lys (NM_001354901.2, NM_001407453.1); and 11 more; short protein forms I1140K, I1241K, I1364K, I1395K, I1398K, I1423K, I1433K, I1441K.
Identifiers: ClinVar variation 3386700 (VCV003386700.1).

ClinVar aggregate classification (germline): Uncertain significance (1 of 4 stars; one submission).

Conditions:
Classic or attenuated familial adenomatous polyposis. Identifiers: MedGen CN372698, MONDO:0021057.

Submission:

All of Us Research Program, National Institutes of Health
Classification: Uncertain significance for Classic or attenuated familial adenomatous polyposis. Last evaluated: 2024-04-16. Review status: criteria provided, single submitter. Criteria: ACMG Guidelines, 2015. Collection method: clinical testing. Allele origin: germline. Inheritance: Autosomal dominant inheritance. Observed: 1 variant allele, 1 heterozygote.
Comment: This missense variant replaces isoleucine with lysine at codon 1524 of the APC protein. Computational prediction is inconclusive regarding the impact of this variant on protein structure and function (internally defined REVEL score threshold 0.5 < inconclusive < 0.7, PMID: 27666373). To our knowledge, functional studies have not been reported for this variant. This variant has not been reported in individuals affected with APC-related disorders in the literature. This variant has not been identified in the general population by the Genome Aggregation Database (gnomAD). The available evidence is insufficient to determine the role of this variant in disease conclusively. Therefore, this variant is classified as a Variant of Uncertain Significance.

This study involves interpretation of variants in research participants for the purpose of population health screening. Participant phenotype was not available at the time of variant classification. Additional details can be found in publication PMID: 35346344, PMCID: PMC8962531